The following is an entry in ClinVar:

NM_001330260.2(SCN8A):c.2171A>G (p.Tyr724Cys)

Gene: SCN8A (sodium voltage-gated channel alpha subunit 8; plus strand). Cytogenetic location: 12q13.13.
Variant type: single nucleotide variant.
Coding change: c.2171A>G on transcript NM_001330260.2 (MANE Select); coding-DNA position 2171, A replaced by G.
Protein change: p.Tyr724Cys; replaces tyrosine 724 with cysteine.
Molecular consequence: missense variant.
Genome position (GRCh38, 1-based): chr12:51,751,394, A>G. VCF-style: chr12-51751394-A-G. GRCh37 (hg19) VCF-style: chr12-52145178-A-G.
Other names: c.2171A>G, p.Tyr724Cys (NM_001177984.3, NM_001369788.1, NM_014191.4); short protein forms Y724C.
Identifiers: ClinVar variation 665233 (VCV000665233.7), dbSNP rs1592142754, ClinGen allele CA384879771.

ClinVar aggregate classification (germline): Uncertain significance (1 of 4 stars; one submission).

Conditions:
Early-infantile DEE. Also called: Ohtahara syndrome; Early infantile epileptic encephalopathy; Early infantile epileptic encephalopathy with suppression bursts. Identifiers: Orphanet 1934, MedGen C0393706, MONDO:0800491.

Allele frequency attached by ClinVar (database versions not stated): gnomAD exomes below 0.00001.
gnomAD v4.1: 2 of 1,613,906 alleles (0.00012%); highest among the groups gnomAD compares: Non-Finnish European, 0.00017%; no homozygotes.

Submission:

Labcorp Genetics (formerly Invitae), Labcorp
Classification: Uncertain significance for Early-infantile DEE. Last evaluated: 2024-06-21. Review status: criteria provided, single submitter. Criteria: Invitae Variant Classification Sherloc (09022015). Collection method: clinical testing. Allele origin: germline.
Comment: This sequence change replaces tyrosine, which is neutral and polar, with cysteine, which is neutral and slightly polar, at codon 724 of the SCN8A protein (p.Tyr724Cys). This variant is not present in population databases (gnomAD no frequency). This variant has not been reported in the literature in individuals affected with SCN8A-related conditions. ClinVar contains an entry for this variant (Variation ID: 665233). Advanced modeling of protein sequence and biophysical properties (such as structural, functional, and spatial information, amino acid conservation, physicochemical variation, residue mobility, and thermodynamic stability) performed at Invitae indicates that this missense variant is expected to disrupt SCN8A protein function with a positive predictive value of 95%. In summary, the available evidence is currently insufficient to determine the role of this variant in disease. Therefore, it has been classified as a Variant of Uncertain Significance.